The following is an entry in ClinVar:

NM_001243133.2(NLRP3):c.1217T>C (p.Met406Thr)

Gene: NLRP3 (NLR family pyrin domain containing 3; plus strand). Cytogenetic location: 1q44.
Variant type: single nucleotide variant.
Coding change: c.1217T>C on transcript NM_001243133.2 (MANE Select); coding-DNA position 1217, T replaced by C.
Protein change: p.Met406Thr; replaces methionine 406 with threonine.
Molecular consequence: missense variant.
Genome position (GRCh38, 1-based): chr1:247,424,666, T>C. VCF-style: chr1-247424666-T-C. GRCh37 (hg19) VCF-style: chr1-247587968-T-C.
Other names: c.1217T>C, p.Met406Thr (NM_001079821.3, NM_001127461.3, NM_001127462.3 and 1 more transcripts); c.1223T>C, p.Met408Thr (NM_004895.5); short protein forms M406T, M408T.
Identifiers: ClinVar variation 849794 (VCV000849794.10), dbSNP rs1662731815, ClinGen allele CA345556412.

ClinVar aggregate classification (germline): Pathogenic. Review status: criteria provided, multiple submitters, no conflicts (2 of 4 stars). 2 submissions from 2 submitters: Pathogenic (2). Last evaluated 2024-01-31.

Conditions:
Cryopyrin associated periodic syndrome (CAPS). Identifiers: Orphanet 208650, MedGen C2316212, MONDO:0016168.

Submissions (2):

GeneDx
Classification: Pathogenic. Last evaluated: 2024-01-31. Review status: criteria provided, single submitter. Criteria: GeneDx Variant Classification Process June 2021. Collection method: clinical testing. Allele origin: germline. Affected: yes.
Comment: Published functional studies demonstrate that the variant increases inflammasome activation (PMID: 34868041); Not observed at significant frequency in large population cohorts (gnomAD); Also known as p.(M406T); This variant is associated with the following publications: (PMID: 35753512, 19302049, 34868041, 37809096, 36104448, 33020839)

Labcorp Genetics (formerly Invitae), Labcorp
Classification: Pathogenic for Cryopyrin associated periodic syndrome. Last evaluated: 2022-07-25. Review status: criteria provided, single submitter. Criteria: Invitae Variant Classification Sherloc (09022015). Collection method: clinical testing. Allele origin: germline.
Comment: For these reasons, this variant has been classified as Pathogenic. This variant disrupts the p.Met408 amino acid residue in NLRP3. Other variant(s) that disrupt this residue have been observed in individuals with NLRP3-related conditions (PMID: 16920754, 21702021), which suggests that this may be a clinically significant amino acid residue. Advanced modeling of protein sequence and biophysical properties (such as structural, functional, and spatial information, amino acid conservation, physicochemical variation, residue mobility, and thermodynamic stability) performed at Invitae indicates that this missense variant is expected to disrupt NLRP3 protein function. ClinVar contains an entry for this variant (Variation ID: 849794). This variant is also known as c.1217T>C (p.Met406Thr). This missense change has been observed in individual(s) with clinical features of cryopyrin-associated periodic syndrome and/or neonatal multisystem onset inflammatory disorder (PMID: 33020839, 34868041; Invitae). In at least one individual the variant was observed to be de novo. This variant is not present in population databases (gnomAD no frequency). This sequence change replaces methionine, which is neutral and non-polar, with threonine, which is neutral and polar, at codon 408 of the NLRP3 protein (p.Met408Thr).

Literature cited by the submitters: PubMed 16920754 (cited by Labcorp Genetics (formerly Invitae), Labcorp); PubMed 21702021 (cited by Labcorp Genetics (formerly Invitae), Labcorp); PubMed 33020839 (cited by Labcorp Genetics (formerly Invitae), Labcorp); PubMed 34868041 (cited by Labcorp Genetics (formerly Invitae), Labcorp).